The following is an entry in ClinVar:

NM_198947.4(FAM111B):c.1465C>T (p.Arg489Ter)

Gene: FAM111B (FAM111 trypsin like peptidase B; plus strand). Cytogenetic location: 11q12.1.
Variant type: single nucleotide variant.
Coding change: c.1465C>T on transcript NM_198947.4 (MANE Select); coding-DNA position 1465, C replaced by T.
Protein change: p.Arg489Ter; replaces arginine 489 with a stop codon.
Molecular consequence: nonsense.
Genome position (GRCh38, 1-based): chr11:59,125,562, C>T. VCF-style: chr11-59125562-C-T. GRCh37 (hg19) VCF-style: chr11-58893035-C-T.
Other names: c.1375C>T, p.Arg459Ter (NM_001142703.2, NM_001142704.2); short protein forms R459*, R489*.
Identifiers: ClinVar variation 4820041 (VCV004820041.1).

ClinVar aggregate classification (germline): Likely benign (1 of 4 stars; one submission).

Conditions:
Hereditary sclerosing poikiloderma with tendon and pulmonary involvement. Also called: Poikiloderma, hereditary fibrosing, with tendon contractures, myopathy, and pulmonary fibrosis. Identifiers: Orphanet 221043, MedGen C3810325, MONDO:0014310, OMIM 615704.

Submission:

Centre for Medical Genetics,  Mumbai
Classification: Likely benign for Hereditary sclerosing poikiloderma with tendon and pulmonary involvement. Last evaluated: 2026-03-20. Review status: criteria provided, single submitter. Criteria: ACMG Guidelines, 2015. Collection method: provider interpretation. Allele origin: germline. Inheritance: Autosomal dominant inheritance. Affected: no. Observed: 1 variant allele, 1 heterozygote.
Comment: The variant satisfies PVS1 criteria; Null variant in a gene where loss of function is a known mechanism of disease. The variant satisfies PM2 criteria; Extremely low frequency in gnomAD population databases. However, the variant satisfies BS2 criteria.

Literature cited by the submitters: PubMed 24268661.